The following is an entry in ClinVar:

ClinVar aggregate classification (germline): Likely benign (1 of 4 stars; one submission).

Submission:

CeGaT Center for Human Genetics Tuebingen
Classification: Likely benign. Last evaluated: 2024-07-01. Review status: criteria provided, single submitter. Criteria: CeGaT Center For Human Genetics Tuebingen Variant Classification Criteria Version 2. Collection method: clinical testing. Allele origin: germline. Affected: yes. Observed: 1 variant allele.
Comment: RYR2: PM2:Supporting, BP4, BP7

NM_001035.3(RYR2):c.4017T>A (p.Ala1339=)

Genes: RYR2 (ryanodine receptor 2; plus strand), LOC126806067 (BRD4-independent group 4 enhancer GRCh37_chr1:237753258-237754457; plus strand). Cytogenetic location: 1q43.
Variant type: single nucleotide variant.
Coding change: c.4017T>A on transcript NM_001035.3 (MANE Select); coding-DNA position 4017, T replaced by A.
Protein change: p.Ala1339=; no amino-acid change (alanine 1339 retained).
Molecular consequence: synonymous variant.
Genome position (GRCh38, 1-based): chr1:237,590,849, T>A. VCF-style: chr1-237590849-T-A. GRCh37 (hg19) VCF-style: chr1-237754149-T-A.
Identifiers: ClinVar variation 3257562 (VCV003257562.17).